The following is an entry in ClinVar:

ClinVar aggregate classification (germline): Uncertain significance. Review status: criteria provided, multiple submitters, no conflicts (2 of 4 stars). 4 submissions from 3 submitters: Uncertain significance (4). Last evaluated 2025-10-05.

Conditions:
Familial cutaneous telangiectasia and oropharyngeal predisposition cancer syndrome. Identifiers: Orphanet 313846, MedGen C3281203, MONDO:0013806, OMIM 614564.
Inborn genetic diseases. Identifiers: MedGen C0950123, MeSH D030342.
Seckel syndrome 1 (SCKL1). Also called: MICROCEPHALIC PRIMORDIAL DWARFISM I. Identifiers: Orphanet 808, MedGen C4551474, MONDO:0008869, OMIM 210600.

Allele frequency attached by ClinVar (database versions not stated): ExAC 0.00003; gnomAD exomes 0.00004 and 0.00007; gnomAD 0.00005; TOPMed 0.00006.
gnomAD v4.1: 106 of 1,612,330 alleles (0.0066%); highest among the groups gnomAD compares: Non-Finnish European, 0.0086%; no homozygotes.

Submissions (4):

Labcorp Genetics (formerly Invitae), Labcorp
Classification: Uncertain significance. Last evaluated: 2025-10-05. Review status: criteria provided, single submitter. Criteria: Invitae Variant Classification Sherloc (09022015). Collection method: clinical testing. Allele origin: germline.
Comment: This sequence change replaces arginine, which is basic and polar, with histidine, which is basic and polar, at codon 1025 of the ATR protein (p.Arg1025His). This variant is present in population databases (rs771309709, gnomAD 0.008%). This variant has not been reported in the literature in individuals affected with ATR-related conditions. ClinVar contains an entry for this variant (Variation ID: 969634). An algorithm developed to predict the effect of missense changes on protein structure and function (PolyPhen-2) suggests that this variant is likely to be disruptive. In summary, the available evidence is currently insufficient to determine the role of this variant in disease. Therefore, it has been classified as a Variant of Uncertain Significance.

Ambry Genetics
Classification: Uncertain significance for Inborn genetic diseases. Last evaluated: 2024-11-07. Review status: criteria provided, single submitter. Criteria: Ambry Variant Classification Scheme 2023. Collection method: clinical testing. Allele origin: germline.

Genome-Nilou Lab
Classification: Uncertain significance for Seckel syndrome 1. Last evaluated: 2023-02-08. Review status: criteria provided, single submitter. Criteria: ACMG Guidelines, 2015. Collection method: clinical testing. Allele origin: germline.

Genome-Nilou Lab
Classification: Uncertain significance for Familial cutaneous telangiectasia and oropharyngeal predisposition cancer syndrome. Last evaluated: 2023-02-08. Review status: criteria provided, single submitter. Criteria: ACMG Guidelines, 2015. Collection method: clinical testing. Allele origin: germline.

NM_001184.4(ATR):c.3074G>A (p.Arg1025His)

Gene: ATR (ATR checkpoint kinase; minus strand). Cytogenetic location: 3q23.
Variant type: single nucleotide variant.
Coding change: c.3074G>A on transcript NM_001184.4 (MANE Select); coding-DNA position 3074, G replaced by A.
Protein change: p.Arg1025His; replaces arginine 1025 with histidine.
Molecular consequence: missense variant.
Genome position (GRCh38, 1-based): chr3:142,549,576, C>T on the plus strand (G>A on the coding strand, the complement: ATR is on the minus strand). VCF-style: chr3-142549576-C-T. GRCh37 (hg19) VCF-style: chr3-142268418-C-T.
Other names: c.2882G>A, p.Arg961His (NM_001354579.2); short protein forms R1025H, R961H.
Identifiers: ClinVar variation 969634 (VCV000969634.13), dbSNP rs771309709, ClinGen allele CA2650208.